The following is an entry in ClinVar:

NM_000370.3(TTPA):c.784T>C (p.Phe262Leu)

Gene: TTPA (alpha tocopherol transfer protein; minus strand). Cytogenetic location: 8q12.3.
Variant type: single nucleotide variant.
Coding change: c.784T>C on transcript NM_000370.3 (MANE Select); coding-DNA position 784, T replaced by C.
Protein change: p.Phe262Leu; replaces phenylalanine 262 with leucine.
Molecular consequence: missense variant.
Genome position (GRCh38, 1-based): chr8:63,061,305, A>G on the plus strand (T>C on the coding strand, the complement: TTPA is on the minus strand). VCF-style: chr8-63061305-A-G. GRCh37 (hg19) VCF-style: chr8-63973864-A-G.
Other names: c.436T>C, p.Phe146Leu (NM_001413414.1); c.*41T>C (NM_001413415.1); c.*686T>C (NM_001413416.1); c.325T>C, p.Phe109Leu (NM_001413417.1); c.901T>C, p.Phe301Leu (NM_001413418.1); short protein forms F262L, F109L, F301L, F146L.
Identifiers: ClinVar variation 2156303 (VCV002156303.1), dbSNP rs1805302231, ClinGen allele CA371331724.
Genomic context (GRCh38, chr8:63,061,305, plus strand): 5'-TAACTTCTCATTGAATGCTCTCAGAAATGCTGCTGAGATAATCTTCAGACTTCATTATAA[A>G]ATTTGTCCATTCCTGACAAATGTCCTCCATGGAGAATTCTTCACCACCATATTCCAGAGG-3'
Protein context (NP_000361.1, residues 252-272): MEDICQEWTN[Phe262Leu]IMKSEDYLSS

ClinVar aggregate classification (germline): Uncertain significance (1 of 4 stars; one submission).

Allele frequency attached by ClinVar (database versions not stated): TOPMed below 0.00001.
gnomAD v4.1: 1 of 1,613,888 alleles (0.000062%); highest among the groups gnomAD compares: Non-Finnish European, 0.000085%; no homozygotes.

Submission:

Labcorp Genetics (formerly Invitae), Labcorp
Classification: Uncertain significance. Last evaluated: 2022-02-19. Review status: criteria provided, single submitter. Criteria: Invitae Variant Classification Sherloc (09022015). Collection method: clinical testing. Allele origin: germline.
Comment: This sequence change replaces phenylalanine, which is neutral and non-polar, with leucine, which is neutral and non-polar, at codon 262 of the TTPA protein (p.Phe262Leu). This variant is not present in population databases (gnomAD no frequency). This variant has not been reported in the literature in individuals affected with TTPA-related conditions. Algorithms developed to predict the effect of missense changes on protein structure and function are either unavailable or do not agree on the potential impact of this missense change (SIFT: "Deleterious"; PolyPhen-2: "Benign"; Align-GVGD: "Class C0"). In summary, the available evidence is currently insufficient to determine the role of this variant in disease. Therefore, it has been classified as a Variant of Uncertain Significance.